The following is an entry in ClinVar:

ClinVar aggregate classification (germline): Uncertain significance (1 of 4 stars; one submission).

Conditions:
Bloom syndrome (BLM). Also called: Bloom-Torre-Machacek syndrome. Identifiers: Orphanet 125, MedGen C0005859, MONDO:0008876, OMIM 210900.

Submission:

Labcorp Genetics (formerly Invitae), Labcorp
Classification: Uncertain significance for Bloom syndrome. Last evaluated: 2022-04-29. Review status: criteria provided, single submitter. Criteria: Invitae Variant Classification Sherloc (09022015). Collection method: clinical testing. Allele origin: germline.
Comment: In summary, the available evidence is currently insufficient to determine the role of this variant in disease. Therefore, it has been classified as a Variant of Uncertain Significance. Algorithms developed to predict the effect of missense changes on protein structure and function are either unavailable or do not agree on the potential impact of this missense change (SIFT: "Tolerated"; PolyPhen-2: "Probably Damaging"; Align-GVGD: "Class C0"). This variant has not been reported in the literature in individuals affected with BLM-related conditions. This sequence change replaces phenylalanine, which is neutral and non-polar, with leucine, which is neutral and non-polar, at codon 1087 of the BLM protein (p.Phe1087Leu). This variant is not present in population databases (gnomAD no frequency).

NM_000057.4(BLM):c.3259T>C (p.Phe1087Leu)

Gene: BLM (BLM RecQ like helicase; plus strand). Cytogenetic location: 15q26.1.
Variant type: single nucleotide variant.
Coding change: c.3259T>C on transcript NM_000057.4 (MANE Select); coding-DNA position 3259, T replaced by C.
Protein change: p.Phe1087Leu; replaces phenylalanine 1087 with leucine.
Molecular consequence: missense variant.
Genome position (GRCh38, 1-based): chr15:90,798,238, T>C. VCF-style: chr15-90798238-T-C. GRCh37 (hg19) VCF-style: chr15-91341468-T-C.
Other names: c.3259T>C, p.Phe1087Leu (NM_001287246.2, NM_001287247.2); c.2134T>C, p.Phe712Leu (NM_001287248.2); short protein forms F1087L, F712L.
Identifiers: ClinVar variation 2131654 (VCV002131654.4), dbSNP rs2505534570, ClinGen allele CA393847202.